The following is an entry in ClinVar:

ClinVar aggregate classification (germline): Likely pathogenic (1 of 4 stars; one submission).

Submission:

GeneDx
Classification: Likely pathogenic. Last evaluated: 2019-12-05. Review status: criteria provided, single submitter. Criteria: GeneDx Variant Classification Process June 2021. Collection method: clinical testing. Allele origin: germline. Affected: yes.
Comment: Not observed in large population cohorts (Lek et al., 2016); The majority of missense variants in this gene are considered pathogenic (Stenson et al., 2014); In silico analysis, which includes protein predictors and evolutionary conservation, supports a deleterious effect; Has not been previously published as pathogenic or benign to our knowledge

NM_000166.6(GJB1):c.626T>G (p.Val209Gly)

Gene: GJB1 (gap junction protein beta 1; plus strand). Cytogenetic location: Xq13.1.
Variant type: single nucleotide variant.
Coding change: c.626T>G on transcript NM_000166.6 (MANE Select); coding-DNA position 626, T replaced by G.
Protein change: p.Val209Gly; replaces valine 209 with glycine.
Molecular consequence: missense variant.
Genome position (GRCh38, 1-based): chrX:71,224,333, T>G. VCF-style: chrX-71224333-T-G. GRCh37 (hg19) VCF-style: chrX-70444183-T-G.
Other names: c.626T>G, p.Val209Gly (NM_001097642.3); short protein forms V209G.
Identifiers: ClinVar variation 422446 (VCV000422446.3), dbSNP rs1064795785, ClinGen allele CA16621495.